The following is an entry in ClinVar:

ClinVar aggregate classification (germline): Uncertain significance (1 of 4 stars; one submission).

Allele frequency attached by ClinVar (database versions not stated): gnomAD exomes below 0.00001.
gnomAD v4.1: 1 of 1,614,102 alleles (0.000062%); highest among the groups gnomAD compares: South Asian, 0.0011%; no homozygotes.

Submission:

Labcorp Genetics (formerly Invitae), Labcorp
Classification: Uncertain significance. Last evaluated: 2022-10-05. Review status: criteria provided, single submitter. Criteria: Invitae Variant Classification Sherloc (09022015). Collection method: clinical testing. Allele origin: germline.
Comment: In summary, the available evidence is currently insufficient to determine the role of this variant in disease. Therefore, it has been classified as a Variant of Uncertain Significance. Advanced modeling of protein sequence and biophysical properties (such as structural, functional, and spatial information, amino acid conservation, physicochemical variation, residue mobility, and thermodynamic stability) performed at Invitae indicates that this missense variant is not expected to disrupt SIN3A protein function. This variant has not been reported in the literature in individuals affected with SIN3A-related conditions. This variant is not present in population databases (gnomAD no frequency). This sequence change replaces lysine, which is basic and polar, with glutamic acid, which is acidic and polar, at codon 525 of the SIN3A protein (p.Lys525Glu).

NM_001145358.2(SIN3A):c.1573A>G (p.Lys525Glu)

Gene: SIN3A (SIN3 transcription regulator family member A; minus strand). Cytogenetic location: 15q24.2.
Variant type: single nucleotide variant.
Coding change: c.1573A>G on transcript NM_001145358.2 (MANE Select); coding-DNA position 1573, A replaced by G.
Protein change: p.Lys525Glu; replaces lysine 525 with glutamic acid.
Molecular consequence: missense variant.
Genome position (GRCh38, 1-based): chr15:75,400,894, T>C on the plus strand (A>G on the coding strand, the complement: SIN3A is on the minus strand). VCF-style: chr15-75400894-T-C. GRCh37 (hg19) VCF-style: chr15-75693235-T-C.
Other names: c.1573A>G, p.Lys525Glu (NM_001145357.2, NM_015477.3); short protein forms K525E.
Identifiers: ClinVar variation 2132330 (VCV002132330.4), dbSNP rs2542633791, ClinGen allele CA393498878.